The following is an entry in ClinVar:

NM_004667.6(HERC2):c.7378C>A (p.Pro2460Thr)

Gene: HERC2 (HECT and RLD domain containing E3 ubiquitin protein ligase 2; minus strand). Cytogenetic location: 15q13.1.
Variant type: single nucleotide variant.
Coding change: c.7378C>A on transcript NM_004667.6 (MANE Select); coding-DNA position 7378, C replaced by A.
Protein change: p.Pro2460Thr; replaces proline 2460 with threonine.
Molecular consequence: missense variant.
Genome position (GRCh38, 1-based): chr15:28,202,449, G>T on the plus strand (C>A on the coding strand, the complement: HERC2 is on the minus strand). VCF-style: chr15-28202449-G-T. GRCh37 (hg19) VCF-style: chr15-28447595-G-T.
Other names: short protein forms P2460T.
Identifiers: ClinVar variation 5037037 (VCV005037037.1).

ClinVar aggregate classification (germline): Uncertain significance (1 of 4 stars; one submission).

Submission:

GeneDx
Classification: Uncertain significance. Last evaluated: 2026-04-13. Review status: criteria provided, single submitter. Criteria: GeneDx Variant Classification Process June 2021. Collection method: clinical testing. Allele origin: germline.
Comment: Not observed at significant frequency in large population cohorts (gnomAD); In silico analysis supports that this missense variant has a deleterious effect on protein structure/function; Has not been previously published as pathogenic or benign to our knowledge